The following is an entry in ClinVar:

NM_002691.4(POLD1):c.1504_1506del (p.Asp502del)

Gene: POLD1 (DNA polymerase delta 1, catalytic subunit; plus strand). Cytogenetic location: 19q13.33.
Variant type: Deletion.
Coding change: c.1504_1506del on transcript NM_002691.4 (MANE Select); coding-DNA positions 1504 to 1506, 3 bases deleted (GAC; older notation c.1504_1506delGAC).
Protein change: p.Asp502del; deletes aspartic acid 502.
Molecular consequence: inframe deletion. On other transcripts: non-coding transcript variant (1).
Genome position (GRCh38, 1-based): chr19:50,406,992-50,406,994, GAC deleted; deleting any 3 consecutive bases within chr19:50,406,990-50,406,994 gives the same sequence; the c. name uses the placement nearest the transcript's 3' end. VCF-style (leftmost placement, unchanged base first): chr19-50406989-AACG-A. GRCh37 (hg19) VCF-style: chr19-50910246-AACG-A.
Other names: c.1504_1506del, p.Asp502del (NM_001256849.1, NM_001308632.1); short protein forms D502del.
Identifiers: ClinVar variation 469201 (VCV000469201.8), dbSNP rs1555791323, ClinGen allele CA658658840.

ClinVar aggregate classification (germline): Uncertain significance (1 of 4 stars; one submission).

Conditions:
POLD1-related polyposis and colorectal cancer syndrome (CRCS10). Also called: Colorectal cancer 10; COLORECTAL CANCER, SUSCEPTIBILITY TO, ON CHROMOSOME 19q; Colorectal cancer, susceptibility to, 10. Identifiers: Orphanet 220460, MedGen C2675481, MONDO:0012953, OMIM 612591.

Submission:

Labcorp Genetics (formerly Invitae), Labcorp
Classification: Uncertain significance for POLD1-related polyposis and colorectal cancer syndrome. Last evaluated: 2017-06-09. Review status: criteria provided, single submitter. Criteria: Invitae Variant Classification Sherloc (09022015). Collection method: clinical testing. Allele origin: germline.
Comment: In summary, this is a novel in-frame deletion with uncertain impact on protein function. It has been classified as a Variant of Uncertain Significance. Experimental studies and prediction algorithms are not available for this variant, and the functional significance of the deleted amino acid is currently unknown. This variant is not present in population databases (ExAC no frequency) and has not been reported in the literature in individuals with a POLD1-related disease. This sequence change deletes 3 nucleotides from exon 13 of the POLD1 mRNA (c.1504_1506delGAC). This leads to the deletion of 1 amino acid residue in the POLD1 protein (p.Asp502del) but otherwise preserves the integrity of the reading frame.